The following is an entry in ClinVar:

NM_001540.5(HSPB1):c.40C>T (p.Pro14Ser)

Gene: HSPB1 (heat shock protein family B (small) member 1; plus strand). Cytogenetic location: 7q11.23.
Variant type: single nucleotide variant.
Coding change: c.40C>T on transcript NM_001540.5 (MANE Select); coding-DNA position 40, C replaced by T.
Protein change: p.Pro14Ser; replaces proline 14 with serine.
Molecular consequence: missense variant.
Genome position (GRCh38, 1-based): chr7:76,302,752, C>T. VCF-style: chr7-76302752-C-T. GRCh37 (hg19) VCF-style: chr7-75932069-C-T.
Other names: short protein forms P14S.
Identifiers: ClinVar variation 2057093 (VCV002057093.4), dbSNP rs767045847, ClinGen allele CA160898799.

ClinVar aggregate classification (germline): Uncertain significance (1 of 4 stars; one submission).

Conditions:
Charcot-Marie-Tooth disease axonal type 2F (CMT2F). Also called: Charcot-Marie-Tooth Neuropathy Type 2F; CHARCOT-MARIE-TOOTH DISEASE, NEURONAL, TYPE 2F. Identifiers: Orphanet 99940, MedGen C1847823, MONDO:0011687, OMIM 606595.

Submission:

Labcorp Genetics (formerly Invitae), Labcorp
Classification: Uncertain significance for Charcot-Marie-Tooth disease axonal type 2F. Last evaluated: 2022-10-20. Review status: criteria provided, single submitter. Criteria: Invitae Variant Classification Sherloc (09022015). Collection method: clinical testing. Allele origin: germline.
Comment: This variant is not present in population databases (gnomAD no frequency). Algorithms developed to predict the effect of missense changes on protein structure and function output the following: SIFT: "Tolerated"; PolyPhen-2: "Benign"; Align-GVGD: "Class C25". The serine amino acid residue is found in multiple mammalian species, which suggests that this missense change does not adversely affect protein function. This variant has not been reported in the literature in individuals affected with HSPB1-related conditions. This sequence change replaces proline, which is neutral and non-polar, with serine, which is neutral and polar, at codon 14 of the HSPB1 protein (p.Pro14Ser). In summary, the available evidence is currently insufficient to determine the role of this variant in disease. Therefore, it has been classified as a Variant of Uncertain Significance.